The following is an entry in ClinVar:

ClinVar aggregate classification (germline): Uncertain significance (1 of 4 stars; one submission).

gnomAD v4.1: 1 of 1,613,332 alleles (0.000062%); highest among the groups gnomAD compares: Non-Finnish European, 0.000085%; no homozygotes.

Submission:

CeGaT Center for Human Genetics Tuebingen
Classification: Uncertain significance. Last evaluated: 2026-01-01. Review status: criteria provided, single submitter. Criteria: CeGaT Center For Human Genetics Tuebingen Variant Classification Criteria Version 2. Collection method: clinical testing. Allele origin: germline. Affected: yes. Observed: 2 variant alleles.
Comment: COL11A2: PM2:Supporting, PP3

NM_080680.3(COL11A2):c.4123-19G>A

Gene: COL11A2 (collagen type XI alpha 2 chain; minus strand). Cytogenetic location: 6p21.32.
Variant type: single nucleotide variant.
Coding change: c.4123-19G>A on transcript NM_080680.3 (MANE Select); 19 bases into the intron before coding-DNA position 4123, G replaced by A.
Molecular consequence: intron variant.
Genome position (GRCh38, 1-based): chr6:33,167,336, C>T on the plus strand (G>A on the coding strand, the complement: COL11A2 is on the minus strand). VCF-style: chr6-33167336-C-T. GRCh37 (hg19) VCF-style: chr6-33135113-C-T.
Other names: c.3097-19G>A (NM_001424111.1, NM_001424110.1); c.3802-19G>A (NM_080679.3); c.3865-19G>A (NM_080681.3); c.3943-19G>A (NM_001424108.1); c.3277-19G>A (NM_001424109.1); c.2077-19G>A (NM_001424112.1).
Identifiers: ClinVar variation 4681942 (VCV004681942.5).